The following is an entry in ClinVar:

ClinVar aggregate classification (germline): Uncertain significance (1 of 4 stars; one submission).

Submission:

Labcorp Genetics (formerly Invitae), Labcorp
Classification: Uncertain significance. Last evaluated: 2022-07-06. Review status: criteria provided, single submitter. Criteria: Invitae Variant Classification Sherloc (09022015). Collection method: clinical testing. Allele origin: germline.
Comment: This variant is not present in population databases (gnomAD no frequency). This sequence change replaces leucine, which is neutral and non-polar, with phenylalanine, which is neutral and non-polar, at codon 128 of the MAP3K8 protein (p.Leu128Phe). This variant has not been reported in the literature in individuals affected with MAP3K8-related conditions. In summary, the available evidence is currently insufficient to determine the role of this variant in disease. Therefore, it has been classified as a Variant of Uncertain Significance. Algorithms developed to predict the effect of missense changes on protein structure and function are either unavailable or do not agree on the potential impact of this missense change (SIFT: "Deleterious"; PolyPhen-2: "Benign"; Align-GVGD: "Class C0"). ClinVar contains an entry for this variant (Variation ID: 1378246).

NM_005204.4(MAP3K8):c.382C>T (p.Leu128Phe)

Gene: MAP3K8 (mitogen-activated protein kinase kinase kinase 8; plus strand). Cytogenetic location: 10p11.23.
Variant type: single nucleotide variant.
Coding change: c.382C>T on transcript NM_005204.4 (MANE Select); coding-DNA position 382, C replaced by T.
Protein change: p.Leu128Phe; replaces leucine 128 with phenylalanine.
Molecular consequence: missense variant.
Genome position (GRCh38, 1-based): chr10:30,447,827, C>T. VCF-style: chr10-30447827-C-T. GRCh37 (hg19) VCF-style: chr10-30736756-C-T.
Other names: c.382C>T, p.Leu128Phe (NM_001244134.1, NM_001320961.2); short protein forms L128F.
Identifiers: ClinVar variation 1378246 (VCV001378246.6), dbSNP rs1462161246, ClinGen allele CA376436815.